The following is an entry in ClinVar:

NM_001042492.3(NF1):c.79del (p.Gln27fs)

Gene: NF1 (neurofibromin 1; plus strand). Cytogenetic location: 17q11.2.
Variant type: Deletion.
Coding change: c.79del on transcript NM_001042492.3 (MANE Select); coding-DNA position 79, one base deleted (C; older notation c.79delC).
Protein change: p.Gln27fs; shifts the reading frame from glutamine 27.
Molecular consequence: frameshift variant.
Genome position (GRCh38, 1-based): chr17:31,156,001, C deleted. VCF-style (leftmost placement, unchanged base first): chr17-31156000-AC-A. GRCh37 (hg19) VCF-style: chr17-29483018-AC-A.
Other names: c.79delC, p.Gln27Serfs (NM_000267.4); c.79del, p.Gln27fs (NM_001128147.3); short protein forms Q27fs.
Identifiers: ClinVar variation 2714057 (VCV002714057.3), dbSNP rs2544680807, ClinGen allele CA2697559523.
Genomic context (GRCh38, chr17:31,156,000, plus strand): 5'-AAGGATAAGCTGTTAACGTGTTTTTTTTTTCTTTTTTTTTCAGCTTCCAATAAAAACAGG[AC>A]AGCAGAACACACATACCAAAGTCAGTACTGAGCACAACAAGGAATGTCTAATCAATATTT-3'

ClinVar aggregate classification (germline): Pathogenic (1 of 4 stars; one submission).

Conditions:
Neurofibromatosis, type 1 (NF1). Also called: Peripheral type neurofibromatosis; VON RECKLINGHAUSEN DISEASE; NEUROFIBROMATOSIS, TYPE I, SOMATIC; Neurofibromatosis, type I. Identifiers: Orphanet 636, MedGen C0027831, MONDO:0018975, OMIM 162200. Disease mechanism: loss of function.

Submission:

Labcorp Genetics (formerly Invitae), Labcorp
Classification: Pathogenic for Neurofibromatosis, type 1. Last evaluated: 2023-06-14. Review status: criteria provided, single submitter. Criteria: Invitae Variant Classification Sherloc (09022015). Collection method: clinical testing. Allele origin: germline.
Comment: For these reasons, this variant has been classified as Pathogenic. This variant has not been reported in the literature in individuals affected with NF1-related conditions. This variant is not present in population databases (gnomAD no frequency). This sequence change creates a premature translational stop signal (p.Gln27Serfs*17) in the NF1 gene. It is expected to result in an absent or disrupted protein product. Loss-of-function variants in NF1 are known to be pathogenic (PMID: 10712197, 23913538).

Literature cited by the submitters: PubMed 10712197; PubMed 23913538.